The following is an entry in ClinVar:

ClinVar aggregate classification (germline): Uncertain significance (1 of 4 stars; one submission).

Conditions:
Cryopyrin associated periodic syndrome (CAPS). Identifiers: Orphanet 208650, MedGen C2316212, MONDO:0016168.

gnomAD v4.1: 8 of 1,607,986 alleles (0.0005%); highest among the groups gnomAD compares: Non-Finnish European, 0.00068%; no homozygotes.

Submission:

Labcorp Genetics (formerly Invitae), Labcorp
Classification: Uncertain significance for Cryopyrin associated periodic syndrome. Last evaluated: 2021-09-10. Review status: criteria provided, single submitter. Criteria: Invitae Variant Classification Sherloc (09022015). Collection method: clinical testing. Allele origin: germline.
Comment: In summary, the available evidence is currently insufficient to determine the role of this variant in disease. Therefore, it has been classified as a Variant of Uncertain Significance. Algorithms developed to predict the effect of missense changes on protein structure and function (SIFT, PolyPhen-2, Align-GVGD) all suggest that this variant is likely to be tolerated. This variant has not been reported in the literature in individuals affected with NLRP3-related conditions. This variant is not present in population databases (ExAC no frequency). This sequence change replaces glycine with alanine at codon 461 of the NLRP3 protein (p.Gly461Ala). The glycine residue is weakly conserved and there is a small physicochemical difference between glycine and alanine.

NM_001243133.2(NLRP3):c.1376G>C (p.Gly459Ala)

Gene: NLRP3 (NLR family pyrin domain containing 3; plus strand). Cytogenetic location: 1q44.
Variant type: single nucleotide variant.
Coding change: c.1376G>C on transcript NM_001243133.2 (MANE Select); coding-DNA position 1376, G replaced by C.
Protein change: p.Gly459Ala; replaces glycine 459 with alanine.
Molecular consequence: missense variant.
Genome position (GRCh38, 1-based): chr1:247,424,825, G>C. VCF-style: chr1-247424825-G-C. GRCh37 (hg19) VCF-style: chr1-247588127-G-C.
Other names: c.1376G>C, p.Gly459Ala (NM_001079821.3, NM_001127461.3, NM_001127462.3 and 1 more transcripts); c.1382G>C, p.Gly461Ala (NM_004895.5); short protein forms G459A, G461A.
Identifiers: ClinVar variation 1425891 (VCV001425891.6), dbSNP rs1662748039, ClinGen allele CA345556751.